The following is an entry in ClinVar:

ClinVar aggregate classification (germline): Uncertain significance (1 of 4 stars; one submission).

Conditions:
LMNA-related disorder. Also called: LMNA-related disorders; LMNA-related condition; LMNA-related disease. Identifiers: MedGen CN380145.

Submission:

PreventionGenetics, part of Exact Sciences
Classification: Uncertain significance for LMNA-related condition. Last evaluated: 2025-01-13. Review status: criteria provided, single submitter. Criteria: ACMG Guidelines, 2015. Collection method: clinical testing. Allele origin: germline.
Comment: The LMNA c.826C>A variant is predicted to result in the amino acid substitution p.Gln276Lys. To our knowledge, this variant has not been reported in the literature or in a large population database (gnomAD), indicating this variant is rare. At this time, the clinical significance of this variant is uncertain due to the absence of conclusive functional and genetic evidence.

NM_170707.4(LMNA):c.826C>A (p.Gln276Lys)

Gene: LMNA (lamin A/C; plus strand). Cytogenetic location: 1q22.
Variant type: single nucleotide variant.
Coding change: c.826C>A on transcript NM_170707.4 (MANE Select); coding-DNA position 826, C replaced by A.
Protein change: p.Gln276Lys; replaces glutamine 276 with lysine.
Molecular consequence: missense variant. On other transcripts: synonymous variant (4).
Genome position (GRCh38, 1-based): chr1:156,135,202, C>A. VCF-style: chr1-156135202-C-A. GRCh37 (hg19) VCF-style: chr1-156104993-C-A.
Other names: c.490C>A, p.Gln164Lys (NM_001257374.3, NM_001406989.1, NM_001406998.1); c.583C>A, p.Gln195Lys (NM_001282624.2, NM_001406986.1, NM_001406987.1); c.826C>A, p.Gln276Lys (NM_001282625.2, NM_001282626.2, NM_001406983.1 and 6 more transcripts); c.529C>A, p.Gln177Lys (NM_001406988.1); c.268C>A, p.Gln90Lys (NM_001406990.1, NM_001406993.1, NM_001406995.1 and 4 more transcripts); c.162C>A, p.Gly54= (NM_001406994.1, NM_001406999.1, NM_001407000.1 and 1 more transcripts); short protein forms Q90K, Q177K, Q195K, Q276K, Q164K.
Identifiers: ClinVar variation 4989191 (VCV004989191.1).